The following is an entry in ClinVar:

NM_006904.7(PRKDC):c.5992A>G (p.Met1998Val)

Gene: PRKDC (protein kinase, DNA-activated, catalytic subunit; minus strand). Cytogenetic location: 8q11.21.
Variant type: single nucleotide variant.
Coding change: c.5992A>G on transcript NM_006904.7 (MANE Select); coding-DNA position 5992, A replaced by G.
Protein change: p.Met1998Val; replaces methionine 1998 with valine.
Molecular consequence: missense variant.
Genome position (GRCh38, 1-based): chr8:47,860,965, T>C on the plus strand (A>G on the coding strand, the complement: PRKDC is on the minus strand). VCF-style: chr8-47860965-T-C. GRCh37 (hg19) VCF-style: chr8-48773526-T-C.
Other names: c.5992A>G, p.Met1998Val (NM_001081640.2); short protein forms M1998V.
Identifiers: ClinVar variation 2194586 (VCV002194586.1), dbSNP rs373881409, ClinGen allele CA4740501.

ClinVar aggregate classification (germline): Uncertain significance (1 of 4 stars; one submission).

Conditions:
Severe combined immunodeficiency due to DNA-PKcs deficiency. Also called: IMMUNODEFICIENCY 26 WITH NEUROLOGIC ABNORMALITIES; Immunodeficiency 26 with or without neurologic abnormalities. Identifiers: Orphanet 317425, MedGen C4014833, MONDO:0014423, OMIM 615966.

Allele frequency attached by ClinVar (database versions not stated): ExAC 0.00001; gnomAD exomes 0.00001; TOPMed 0.00002; gnomAD 0.00003; ESP Exome Variant Server 0.00009.

Submission:

Labcorp Genetics (formerly Invitae), Labcorp
Classification: Uncertain significance for Severe combined immunodeficiency due to DNA-PKcs deficiency. Last evaluated: 2022-10-17. Review status: criteria provided, single submitter. Criteria: Invitae Variant Classification Sherloc (09022015). Collection method: clinical testing. Allele origin: germline.
Comment: This sequence change replaces methionine, which is neutral and non-polar, with valine, which is neutral and non-polar, at codon 1998 of the PRKDC protein (p.Met1998Val). This variant is present in population databases (rs373881409, gnomAD 0.006%). This variant has not been reported in the literature in individuals affected with PRKDC-related conditions. Advanced modeling of protein sequence and biophysical properties (such as structural, functional, and spatial information, amino acid conservation, physicochemical variation, residue mobility, and thermodynamic stability) performed at Invitae indicates that this missense variant is not expected to disrupt PRKDC protein function. In summary, the available evidence is currently insufficient to determine the role of this variant in disease. Therefore, it has been classified as a Variant of Uncertain Significance.